The following is an entry in ClinVar:

NM_001927.4(DES):c.1202A>G (p.Glu401Gly)

Gene: DES (desmin; plus strand). Cytogenetic location: 2q35.
Variant type: single nucleotide variant.
Coding change: c.1202A>G on transcript NM_001927.4 (MANE Select); coding-DNA position 1202, A replaced by G.
Protein change: p.Glu401Gly; replaces glutamic acid 401 with glycine.
Molecular consequence: missense variant.
Genome position (GRCh38, 1-based): chr2:219,421,518, A>G. VCF-style: chr2-219421518-A-G. GRCh37 (hg19) VCF-style: chr2-220286240-A-G.
Other names: c.1199A>G, p.Glu400Gly (NM_001382708.1); c.770A>G, p.Glu257Gly (NM_001382709.1); c.1133A>G, p.Glu378Gly (NM_001382710.1); c.1181A>G, p.Glu394Gly (NM_001382711.1); c.1202A>G, p.Glu401Gly (NM_001382712.1); c.932A>G, p.Glu311Gly (NM_001382713.1); short protein forms E394G, E311G, E378G, E400G, E401G, E257G.
Identifiers: ClinVar variation 969855 (VCV000969855.11), dbSNP rs1954444202, ClinGen allele CA350694957.
Genomic context (GRCh38, chr2:219,421,518, plus strand): 5'-TGGCCCGCCATCTGCGCGAGTACCAGGACCTGCTCAACGTGAAGATGGCCCTGGATGTGG[A>G]GATTGCCACCTACCGGAAGCTGCTGGAGGGAGAGGAGAGCCGGTGAGGGGCCAGGCAGGA-3'
Protein context (NP_001918.3, residues 391-411): LLNVKMALDV[Glu401Gly]IATYRKLLEG

ClinVar aggregate classification (germline): Likely pathogenic. Review status: criteria provided, multiple submitters, no conflicts (2 of 4 stars). 2 submissions from 2 submitters: Likely pathogenic (2). Last evaluated 2025-01-15.

Conditions:
Desmin-related myofibrillar myopathy (MFM1). Also called: Desminopathy; MYOFIBRILLAR MYOPATHY WITH ARRHYTHMOGENIC RIGHT VENTRICULAR CARDIOMYOPATHY; DESMIN-RELATED MYOPATHY WITH ARRHYTHMOGENIC RIGHT VENTRICULAR CARDIOMYOPATHY; Desmin related myopathy (former name); Desmin storage myopathy (former name); Myofibrillar myopathy 1. Identifiers: Orphanet 363543, Orphanet 98909, MedGen C1832370, MONDO:0011076, OMIM 601419.
Cardiovascular phenotype. Identifiers: MedGen CN230736.

Submissions (2):

Ambry Genetics
Classification: Likely pathogenic for Cardiovascular phenotype. Last evaluated: 2025-01-15. Review status: criteria provided, single submitter. Criteria: Ambry Variant Classification Scheme 2023. Collection method: clinical testing. Allele origin: germline.
Comment: The p.E401G variant (also known as c.1202A>G), located in coding exon 6 of the DES gene, results from an A to G substitution at nucleotide position 1202. The glutamic acid at codon 401 is replaced by glycine, an amino acid with similar properties. This variant was detected in a cardiomyopathy/arrhythmia genetic testing cohort; however, clinical details were limited, and additional cardiac variants were detected in some cases (van Lint FHM et al. Neth Heart J, 2019 Jun;27:304-309). This variant has been reported in subjects with DES-related myopathy (Ambry internal data). Anther variant at the same codon, p.E401D (c.1203G>C), has been identified in individual(s) with features consistent with DES-related myopathy (Ambry internal data). This amino acid position is highly conserved in available vertebrate species. In addition, this alteration is predicted to be deleterious by in silico analysis. This variant is considered to be rare based on population cohorts in the Genome Aggregation Database (gnomAD). Based on the majority of available evidence to date, this variant is likely to be pathogenic.

Labcorp Genetics (formerly Invitae), Labcorp
Classification: Likely pathogenic for Desmin-related myofibrillar myopathy. Last evaluated: 2022-11-29. Review status: criteria provided, single submitter. Criteria: Invitae Variant Classification Sherloc (09022015). Collection method: clinical testing. Allele origin: germline.
Comment: In summary, the currently available evidence indicates that the variant is pathogenic, but additional data are needed to prove that conclusively. Therefore, this variant has been classified as Likely Pathogenic. This variant disrupts the p.Glu401 amino acid residue in DES. Other variant(s) that disrupt this residue have been determined to be pathogenic (PMID: 16865695, 29212896). This suggests that this residue is clinically significant, and that variants that disrupt this residue are likely to be disease-causing. Advanced modeling of protein sequence and biophysical properties (such as structural, functional, and spatial information, amino acid conservation, physicochemical variation, residue mobility, and thermodynamic stability) performed at Invitae indicates that this missense variant is expected to disrupt DES protein function. ClinVar contains an entry for this variant (Variation ID: 969855). This missense change has been observed in individual(s) with dilated cardiomyopathy (PMID: 30847666). This variant is not present in population databases (gnomAD no frequency). This sequence change replaces glutamic acid, which is acidic and polar, with glycine, which is neutral and non-polar, at codon 401 of the DES protein (p.Glu401Gly).

Literature cited by the submitters: PubMed 30847666 (cited by Ambry Genetics and Labcorp Genetics (formerly Invitae), Labcorp); PubMed 16865695 (cited by Labcorp Genetics (formerly Invitae), Labcorp); PubMed 29212896 (cited by Labcorp Genetics (formerly Invitae), Labcorp).